The following is an entry in ClinVar:

NM_001365999.1(SZT2):c.1109T>G (p.Phe370Cys)

Gene: SZT2 (SZT2 subunit of KICSTOR complex; plus strand). Cytogenetic location: 1p34.2.
Variant type: single nucleotide variant.
Coding change: c.1109T>G on transcript NM_001365999.1 (MANE Select); coding-DNA position 1109, T replaced by G.
Protein change: p.Phe370Cys; replaces phenylalanine 370 with cysteine.
Molecular consequence: missense variant.
Genome position (GRCh38, 1-based): chr1:43,420,171, T>G. VCF-style: chr1-43420171-T-G. GRCh37 (hg19) VCF-style: chr1-43885842-T-G.
Other names: c.1109T>G, p.Phe370Cys (NM_015284.4); short protein forms F370C.
Identifiers: ClinVar variation 2118578 (VCV002118578.4), dbSNP rs1652175537, ClinGen allele CA340006504.

ClinVar aggregate classification (germline): Uncertain significance (1 of 4 stars; one submission).

Submission:

Labcorp Genetics (formerly Invitae), Labcorp
Classification: Uncertain significance. Last evaluated: 2022-03-27. Review status: criteria provided, single submitter. Criteria: Invitae Variant Classification Sherloc (09022015). Collection method: clinical testing. Allele origin: germline.
Comment: In summary, the available evidence is currently insufficient to determine the role of this variant in disease. Therefore, it has been classified as a Variant of Uncertain Significance. Algorithms developed to predict the effect of missense changes on protein structure and function are either unavailable or do not agree on the potential impact of this missense change (SIFT: "Tolerated"; PolyPhen-2: "Probably Damaging"; Align-GVGD: "Class C0"). This variant has not been reported in the literature in individuals affected with SZT2-related conditions. This variant is not present in population databases (gnomAD no frequency). This sequence change replaces phenylalanine, which is neutral and non-polar, with cysteine, which is neutral and slightly polar, at codon 370 of the SZT2 protein (p.Phe370Cys).